The following is an entry in ClinVar:

ClinVar aggregate classification (germline): Uncertain significance (1 of 4 stars; one submission).

Submission:

Labcorp Genetics (formerly Invitae), Labcorp
Classification: Uncertain significance. Last evaluated: 2024-03-14. Review status: criteria provided, single submitter. Criteria: Invitae Variant Classification Sherloc (09022015). Collection method: clinical testing. Allele origin: germline.
Comment: This sequence change replaces lysine, which is basic and polar, with arginine, which is basic and polar, at codon 299 of the RRAGA protein (p.Lys299Arg). This variant is not present in population databases (gnomAD no frequency). This variant has not been reported in the literature in individuals affected with RRAGA-related conditions. An algorithm developed to predict the effect of missense changes on protein structure and function (PolyPhen-2) suggests that this variant is likely to be tolerated. In summary, the available evidence is currently insufficient to determine the role of this variant in disease. Therefore, it has been classified as a Variant of Uncertain Significance.

NM_006570.5(RRAGA):c.896A>G (p.Lys299Arg)

Gene: RRAGA (Ras related GTP binding A; plus strand). Cytogenetic location: 9p22.1.
Variant type: single nucleotide variant.
Coding change: c.896A>G on transcript NM_006570.5 (MANE Select); coding-DNA position 896, A replaced by G.
Protein change: p.Lys299Arg; replaces lysine 299 with arginine.
Molecular consequence: missense variant.
Genome position (GRCh38, 1-based): chr9:19,050,555, A>G. VCF-style: chr9-19050555-A-G. GRCh37 (hg19) VCF-style: chr9-19050553-A-G.
Other names: short protein forms K299R.
Identifiers: ClinVar variation 2756190 (VCV002756190.3), dbSNP rs2489211503, ClinGen allele CA373030010.